The following is an entry in ClinVar:

NM_138927.4(SON):c.4219G>C (p.Val1407Leu)

Gene: SON (SON DNA and RNA binding protein; plus strand). Cytogenetic location: 21q22.11.
Variant type: single nucleotide variant.
Coding change: c.4219G>C on transcript NM_138927.4 (MANE Select); coding-DNA position 4219, G replaced by C.
Protein change: p.Val1407Leu; replaces valine 1407 with leucine.
Molecular consequence: missense variant. On other transcripts: non-coding transcript variant (1), intron variant (1).
Genome position (GRCh38, 1-based): chr21:33,553,450, G>C. VCF-style: chr21-33553450-G-C. GRCh37 (hg19) VCF-style: chr21-34925756-G-C.
Other names: c.4219G>C, p.Val1407Leu (NM_001291411.2, NM_001412133.1, NM_032195.3 and 2 more transcripts); c.245-3706G>C (NM_001291412.3); short protein forms V1407L.
Identifiers: ClinVar variation 2068351 (VCV002068351.4), dbSNP rs373616331, ClinGen allele CA10009483.

ClinVar aggregate classification (germline): Uncertain significance (1 of 4 stars; one submission).

Allele frequency attached by ClinVar (database versions not stated): TOPMed 0.00001; gnomAD 0.00001; ESP Exome Variant Server 0.00008; ExAC 0.00002.
gnomAD v4.1: 9 of 1,614,090 alleles (0.00056%); highest among the groups gnomAD compares: Non-Finnish European, 0.00076%; no homozygotes.

Submission:

Labcorp Genetics (formerly Invitae), Labcorp
Classification: Uncertain significance. Last evaluated: 2022-03-24. Review status: criteria provided, single submitter. Criteria: Invitae Variant Classification Sherloc (09022015). Collection method: clinical testing. Allele origin: germline.
Comment: Algorithms developed to predict the effect of missense changes on protein structure and function are either unavailable or do not agree on the potential impact of this missense change (SIFT: "Deleterious"; PolyPhen-2: "Possibly Damaging"; Align-GVGD: "Class C0"). In summary, the available evidence is currently insufficient to determine the role of this variant in disease. Therefore, it has been classified as a Variant of Uncertain Significance. This variant has not been reported in the literature in individuals affected with SON-related conditions. This variant is present in population databases (rs373616331, gnomAD 0.002%). This sequence change replaces valine, which is neutral and non-polar, with leucine, which is neutral and non-polar, at codon 1407 of the SON protein (p.Val1407Leu).